The following is an entry in ClinVar:

ClinVar aggregate classification (germline): Likely pathogenic (1 of 4 stars; one submission).

Submission:

Labcorp Genetics (formerly Invitae), Labcorp
Classification: Likely pathogenic. Last evaluated: 2018-11-08. Review status: criteria provided, single submitter. Criteria: Invitae Variant Classification Sherloc (09022015). Collection method: clinical testing. Allele origin: germline.
Comment: This variant is a deletion of the genomic region encompassing part of exon 3 of the USH2A gene (c.486-1_625del). It is expected to disrupt RNA splicing and likely results in an absent or disrupted protein product. This variant has not been reported in the literature in individuals with USH2A-related disease. Nucleotide substitutions within the consensus splice site are a relatively common cause of aberrant splicing (PMID: 17576681, 9536098). Loss-of-function variants in USH2A are known to be pathogenic (PMID: 10729113, 10909849, 20507924, 25649381). In summary, the currently available evidence indicates that the variant is pathogenic, but additional data are needed to prove that conclusively. Therefore, this variant has been classified as Likely Pathogenic.

NM_206933.4(USH2A):c.486-1_625del

Gene: USH2A (usherin; minus strand). Cytogenetic location: 1q41.
Variant type: Deletion.
Coding change: c.486-1_625del on transcript NM_206933.4 (MANE Select); the canonical splice acceptor site of the intron before coding-DNA position 486 through coding-DNA position 625, 141 bases deleted.
Molecular consequence: splice acceptor variant.
Genome position (GRCh38, 1-based): chr1:216,418,540-216,418,680, 141 bases deleted. GRCh37 (hg19): chr1:216,591,883-216,592,023.
Other names: c.486-1_625del (NM_007123.6).
Identifiers: ClinVar variation 665317 (VCV000665317.1), dbSNP rs1571801564, ClinGen allele CA915942016.